The following is an entry in ClinVar:

NM_001035.3(RYR2):c.10549G>A (p.Gly3517Ser)

Gene: RYR2 (ryanodine receptor 2; plus strand). Cytogenetic location: 1q43.
Variant type: single nucleotide variant.
Coding change: c.10549G>A on transcript NM_001035.3 (MANE Select); coding-DNA position 10549, G replaced by A.
Protein change: p.Gly3517Ser; replaces glycine 3517 with serine.
Molecular consequence: missense variant.
Genome position (GRCh38, 1-based): chr1:237,718,516, G>A. VCF-style: chr1-237718516-G-A. GRCh37 (hg19) VCF-style: chr1-237881816-G-A.
Other names: short protein forms G3517S.
Identifiers: ClinVar variation 922053 (VCV000922053.5), dbSNP rs1689447350, ClinGen allele CA345415376.

ClinVar aggregate classification (germline): Uncertain significance (1 of 4 stars; one submission).

Conditions:
Cardiomyopathy (CMYO). Also called: Cardiomyopathies. Identifiers: Orphanet 167848, MedGen C0878544, MONDO:0004994, HP:0001638. Inheritance: Various modes of inheritance.

Submission:

Color Diagnostics, LLC DBA Color Health
Classification: Uncertain significance for Cardiomyopathy. Last evaluated: 2023-12-05. Review status: criteria provided, single submitter. Criteria: ACMG Guidelines, 2015. Collection method: clinical testing. Allele origin: germline.
Comment: Variant of Uncertain Significance due to insufficient evidence: This missense variant is located in the cytoplasmic domain of the RYR2 protein. Computational prediction tools and conservation analyses suggest that this variant may have deleterious impact on the protein function. Computational splicing tools suggest that this variant may not impact RNA splicing. To our knowledge, functional assays have not been performed for this variant nor has this variant been reported in individuals affected with cardiovascular disorders in the literature. This variant is rare in the general population and has been identified in 0/277264 chromosomes by the Genome Aggregation Database (gnomAD). Available evidence is insufficient to determine the role of this variant in disease conclusively.